The following is an entry in ClinVar:

NM_181426.2(CCDC39):c.891T>G (p.Tyr297Ter)

Gene: CCDC39 (coiled-coil domain 39 molecular ruler complex subunit; minus strand). Cytogenetic location: 3q26.33.
Variant type: single nucleotide variant.
Coding change: c.891T>G on transcript NM_181426.2 (MANE Select); coding-DNA position 891, T replaced by G.
Protein change: p.Tyr297Ter; replaces tyrosine 297 with a stop codon.
Molecular consequence: nonsense.
Genome position (GRCh38, 1-based): chr3:180,654,801, A>C on the plus strand (T>G on the coding strand, the complement: CCDC39 is on the minus strand). VCF-style: chr3-180654801-A-C. GRCh37 (hg19) VCF-style: chr3-180372589-A-C.
Other names: short protein forms Y297*.
Identifiers: ClinVar variation 2053107 (VCV002053107.4), dbSNP rs2473817538, ClinGen allele CA355300317.

ClinVar aggregate classification (germline): Pathogenic (1 of 4 stars; one submission).

Conditions:
Primary ciliary dyskinesia. Also called: Ciliary dyskinesia. Identifiers: Orphanet 244, MedGen C0008780, MONDO:0016575, HP:0012265.

Submission:

Labcorp Genetics (formerly Invitae), Labcorp
Classification: Pathogenic for Primary ciliary dyskinesia. Last evaluated: 2022-10-19. Review status: criteria provided, single submitter. Criteria: Invitae Variant Classification Sherloc (09022015). Collection method: clinical testing. Allele origin: germline.
Comment: For these reasons, this variant has been classified as Pathogenic. This variant has not been reported in the literature in individuals affected with CCDC39-related conditions. This variant is not present in population databases (gnomAD no frequency). This sequence change creates a premature translational stop signal (p.Tyr297*) in the CCDC39 gene. It is expected to result in an absent or disrupted protein product. Loss-of-function variants in CCDC39 are known to be pathogenic (PMID: 21131972, 23255504).

Literature cited by the submitters: PubMed 21131972; PubMed 23255504.